The following is an entry in ClinVar:

ClinVar aggregate classification (germline): Uncertain significance (1 of 4 stars; one submission).

Allele frequency attached by ClinVar (database versions not stated): TOPMed below 0.00001; ExAC 0.00001; gnomAD 0.00001; gnomAD exomes 0.00003.
gnomAD v4.1: 48 of 1,614,114 alleles (0.003%); highest among the groups gnomAD compares: Non-Finnish European, 0.0041%; no homozygotes.

Submission:

Labcorp Genetics (formerly Invitae), Labcorp
Classification: Uncertain significance. Last evaluated: 2023-11-19. Review status: criteria provided, single submitter. Criteria: Invitae Variant Classification Sherloc (09022015). Collection method: clinical testing. Allele origin: germline.
Comment: This sequence change replaces aspartic acid, which is acidic and polar, with asparagine, which is neutral and polar, at codon 629 of the BACH2 protein (p.Asp629Asn). This variant is present in population databases (rs765302093, gnomAD 0.007%). This variant has not been reported in the literature in individuals affected with BACH2-related conditions. Advanced modeling of protein sequence and biophysical properties (such as structural, functional, and spatial information, amino acid conservation, physicochemical variation, residue mobility, and thermodynamic stability) performed at Invitae indicates that this missense variant is expected to disrupt BACH2 protein function with a positive predictive value of 80%. In summary, the available evidence is currently insufficient to determine the role of this variant in disease. Therefore, it has been classified as a Variant of Uncertain Significance.

NM_021813.4(BACH2):c.1885G>A (p.Asp629Asn)

Gene: BACH2 (BACH transcriptional regulator 2; minus strand). Cytogenetic location: 6q15.
Variant type: single nucleotide variant.
Coding change: c.1885G>A on transcript NM_021813.4 (MANE Select); coding-DNA position 1885, G replaced by A.
Protein change: p.Asp629Asn; replaces aspartic acid 629 with asparagine.
Molecular consequence: missense variant.
Genome position (GRCh38, 1-based): chr6:89,938,302, C>T on the plus strand (G>A on the coding strand, the complement: BACH2 is on the minus strand). VCF-style: chr6-89938302-C-T. GRCh37 (hg19) VCF-style: chr6-90648021-C-T.
Other names: c.1885G>A, p.Asp629Asn (NM_001170794.2); short protein forms D629N.
Identifiers: ClinVar variation 2954707 (VCV002954707.3), dbSNP rs765302093, ClinGen allele CA3927900.